The following is an entry in ClinVar:

ClinVar aggregate classification (germline): Uncertain significance. Review status: criteria provided, multiple submitters, no conflicts (2 of 4 stars). 2 submissions from 2 submitters: Uncertain significance (2). Last evaluated 2025-08-10.

Conditions:
Inborn genetic diseases. Identifiers: MedGen C0950123, MeSH D030342.

Allele frequency attached by ClinVar (database versions not stated): gnomAD exomes below 0.00001; ExAC 0.00001; gnomAD 0.00001; TOPMed 0.00001; ESP Exome Variant Server 0.00008.
gnomAD v4.1: 4 of 1,613,990 alleles (0.00025%); highest among the groups gnomAD compares: Non-Finnish European, 0.00034%; no homozygotes.

Submissions (2):

Ambry Genetics
Classification: Uncertain significance for Inborn genetic diseases. Last evaluated: 2025-08-10. Review status: criteria provided, single submitter. Criteria: Ambry Variant Classification Scheme 2023. Collection method: clinical testing. Allele origin: germline.

Labcorp Genetics (formerly Invitae), Labcorp
Classification: Uncertain significance. Last evaluated: 2024-10-24. Review status: criteria provided, single submitter. Criteria: Invitae Variant Classification Sherloc (09022015). Collection method: clinical testing. Allele origin: germline.
Comment: This sequence change replaces glutamic acid, which is acidic and polar, with lysine, which is basic and polar, at codon 49 of the TAB2 protein (p.Glu49Lys). This variant is present in population databases (rs376797713, gnomAD 0.0009%). This variant has not been reported in the literature in individuals affected with TAB2-related conditions. ClinVar contains an entry for this variant (Variation ID: 1917778). Invitae Evidence Modeling of protein sequence and biophysical properties (such as structural, functional, and spatial information, amino acid conservation, physicochemical variation, residue mobility, and thermodynamic stability) indicates that this missense variant is not expected to disrupt TAB2 protein function with a negative predictive value of 80%. In summary, the available evidence is currently insufficient to determine the role of this variant in disease. Therefore, it has been classified as a Variant of Uncertain Significance.

NM_001292034.3(TAB2):c.145G>A (p.Glu49Lys)

Gene: TAB2 (TGF-beta activated kinase 1 (MAP3K7) binding protein 2; plus strand). Cytogenetic location: 6q25.1.
Variant type: single nucleotide variant.
Coding change: c.145G>A on transcript NM_001292034.3 (MANE Select); coding-DNA position 145, G replaced by A.
Protein change: p.Glu49Lys; replaces glutamic acid 49 with lysine.
Molecular consequence: missense variant.
Genome position (GRCh38, 1-based): chr6:149,378,060, G>A. VCF-style: chr6-149378060-G-A. GRCh37 (hg19) VCF-style: chr6-149699196-G-A.
Other names: c.49G>A, p.Glu17Lys (NM_001292035.3); c.145G>A, p.Glu49Lys (NM_001369506.1, NM_015093.6); c.145G>A (NM_015093.4); short protein forms E17K, E49K.
Identifiers: ClinVar variation 1917778 (VCV001917778.6), dbSNP rs376797713, ClinGen allele CA4041358.